The following is an entry in ClinVar:

ClinVar aggregate classification (germline): Uncertain significance (1 of 4 stars; one submission).

Submission:

GeneDx
Classification: Uncertain significance. Last evaluated: 2024-07-09. Review status: criteria provided, single submitter. Criteria: GeneDx Variant Classification Process June 2021. Collection method: clinical testing. Allele origin: germline. Affected: yes.
Comment: Frameshift variant predicted to result in protein truncation as the last 25 amino acids are replaced with 8 different amino acids, although loss-of-function variants have not been reported downstream of this position in the protein; Not observed at significant frequency in large population cohorts (gnomAD); Has not been previously published as pathogenic or benign to our knowledge

NM_000077.5(CDKN2A):c.395_396del (p.Ala132fs)

Gene: CDKN2A (cyclin dependent kinase inhibitor 2A; minus strand). Cytogenetic location: 9p21.3.
Variant type: Microsatellite.
Coding change: c.395_396del on transcript NM_000077.5; coding-DNA positions 395 to 396, 2 bases deleted (CG; older notation c.395_396delCG).
Protein change: p.Ala132fs; shifts the reading frame from alanine 132.
Molecular consequence: frameshift variant (on NM_000077.4). On other transcripts: 3 prime UTR variant (2).
Genome position (GRCh38, 1-based): chr9:21,970,963-21,970,964, CG deleted on the plus strand (CG on the coding strand, the reverse complement: CDKN2A is on the minus strand); deleting any 2 consecutive bases within chr9:21,970,963-21,970,969 gives the same sequence; the c. name uses the placement nearest the transcript's 3' end. VCF-style (leftmost placement, unchanged base first): chr9-21970962-CCG-C. GRCh37 (hg19) VCF-style: chr9-21970961-CCG-C.
Other names: c.395_396del (NM_000077.4); c.390_391GC[2], p.Ala132Glyfs (NM_000077.6); c.395_396del, p.Ala132fs (NM_001195132.2); c.242_243del, p.Ala81fs (NM_001363763.2); c.*35CG[2] (NM_058195.4); c.*314CG[2] (NM_058197.5); short protein forms A132fs, A81fs.
Identifiers: ClinVar variation 3572516 (VCV003572516.1).
Genomic context (GRCh38, chr9:21,970,962, plus strand): 5'-CTGAGGGACCTTCCGCGGCATCTATGCGGGCATGGTTACTGCCTCTGGTGCCCCCCGCAG[CCG>C]CGCGCAGGTACCGTGCGACATCGCGATGGCCCAGCTCCTCAGCCAGGTCCACGGGCAGAC-3'